The following is an entry in ClinVar:

ClinVar aggregate classification (germline): Uncertain significance. Review status: criteria provided, multiple submitters, no conflicts (2 of 4 stars). 3 submissions from 3 submitters: Uncertain significance (3). Last evaluated 2025-10-20.

Conditions:
Hereditary cancer-predisposing syndrome. Also called: Hereditary Cancer Syndrome; Hereditary neoplastic syndrome; Neoplastic Syndromes, Hereditary; Tumor predisposition. Identifiers: Orphanet 140162, MedGen C0027672, MeSH D009386, MONDO:0015356.
Intellectual disability, autosomal dominant 16 (CSS4). Also called: COFFIN-SIRIS SYNDROME 4. Identifiers: Orphanet 1465, MedGen C3553249, MONDO:0013821, OMIM 614609.
Rhabdoid tumor predisposition syndrome 2 (RTPS2). Identifiers: Orphanet 231108, Orphanet 69077, MedGen C2750074, MONDO:0013224, OMIM 613325.

Allele frequency attached by ClinVar (database versions not stated): gnomAD exomes below 0.00001.
gnomAD v4.1: 1 of 1,613,006 alleles (0.000062%); highest among the groups gnomAD compares: Non-Finnish European, 0.000085%; no homozygotes.

Submissions (3):

Labcorp Genetics (formerly Invitae), Labcorp
Classification: Uncertain significance for Rhabdoid tumor predisposition syndrome 2. Last evaluated: 2025-10-20. Review status: criteria provided, single submitter. Criteria: Invitae Variant Classification Sherloc (09022015). Collection method: clinical testing. Allele origin: germline.
Comment: This sequence change replaces arginine, which is basic and polar, with histidine, which is basic and polar, at codon 1374 of the SMARCA4 protein (p.Arg1374His). This variant is not present in population databases (gnomAD no frequency). This variant has not been reported in the literature in individuals affected with SMARCA4-related conditions. ClinVar contains an entry for this variant (Variation ID: 408624). Invitae Evidence Modeling of protein sequence and biophysical properties (such as structural, functional, and spatial information, amino acid conservation, physicochemical variation, residue mobility, and thermodynamic stability) has been performed for this missense variant. However, the output from this modeling did not meet the statistical confidence thresholds required to predict the impact of this variant on SMARCA4 protein function. In summary, the available evidence is currently insufficient to determine the role of this variant in disease. Therefore, it has been classified as a Variant of Uncertain Significance.

Ambry Genetics
Classification: Uncertain significance for Hereditary cancer-predisposing syndrome. Last evaluated: 2022-04-16. Review status: criteria provided, single submitter. Criteria: Ambry Variant Classification Scheme 2023. Collection method: clinical testing. Allele origin: germline.
Comment: The p.R1374H variant (also known as c.4121G>A), located in coding exon 28 of the SMARCA4 gene, results from a G to A substitution at nucleotide position 4121. The arginine at codon 1374 is replaced by histidine, an amino acid with highly similar properties. This amino acid position is highly conserved in available vertebrate species. In addition, this alteration is predicted to be deleterious by in silico analysis. Since supporting evidence is limited at this time, the clinical significance of this alteration remains unclear.

Genome-Nilou Lab
Classification: Uncertain significance for Intellectual disability, autosomal dominant 16. Last evaluated: 2021-07-15. Review status: criteria provided, single submitter. Criteria: ACMG Guidelines, 2015. Collection method: clinical testing. Allele origin: germline. Affected: no.

NM_003072.5(SMARCA4):c.4121G>A (p.Arg1374His)

Gene: SMARCA4 (SWI/SNF related BAF chromatin remodeling complex subunit ATPase 4; plus strand). Cytogenetic location: 19p13.2.
Variant type: single nucleotide variant.
Coding change: c.4121G>A on transcript NM_003072.5 (MANE Select); coding-DNA position 4121, G replaced by A.
Protein change: p.Arg1374His; replaces arginine 1374 with histidine.
Molecular consequence: missense variant. On other transcripts: non-coding transcript variant (1).
Genome position (GRCh38, 1-based): chr19:11,035,083, G>A. VCF-style: chr19-11035083-G-A. GRCh37 (hg19) VCF-style: chr19-11145759-G-A.
Other names: c.4121G>A, p.Arg1374His (NM_001128844.3, NM_001128849.3, NM_001387283.1); c.4022G>A, p.Arg1341His (NM_001128845.2, NM_001128846.2, NM_001128847.4 and 2 more transcripts); short protein forms R1374H, R1341H.
Identifiers: ClinVar variation 408624 (VCV000408624.13), dbSNP rs1060502070, ClinGen allele CA16615961.